The following is an entry in ClinVar:

ClinVar aggregate classification (germline): Uncertain significance (1 of 4 stars; one submission).

Allele frequency attached by ClinVar (database versions not stated): ExAC 0.00001; gnomAD 0.00001; TOPMed 0.00001; gnomAD exomes 0.00002.
gnomAD v4.1: 22 of 1,612,832 alleles (0.0014%); highest among the groups gnomAD compares: Non-Finnish European, 0.0019%; no homozygotes.

Submission:

CeGaT Center for Human Genetics Tuebingen
Classification: Uncertain significance. Last evaluated: 2023-10-01. Review status: criteria provided, single submitter. Criteria: CeGaT Center For Human Genetics Tuebingen Variant Classification Criteria Version 2. Collection method: clinical testing. Allele origin: germline. Affected: yes. Observed: 1 variant allele.
Comment: RARS2: PM2, BP4

NM_020320.5(RARS2):c.185A>T (p.Gln62Leu)

Gene: RARS2 (arginyl-tRNA synthetase 2, mitochondrial; minus strand). Cytogenetic location: 6q15.
Variant type: single nucleotide variant.
Coding change: c.185A>T on transcript NM_020320.5 (MANE Select); coding-DNA position 185, A replaced by T.
Protein change: p.Gln62Leu; replaces glutamine 62 with leucine.
Molecular consequence: missense variant. On other transcripts: 5 prime UTR variant (7), non-coding transcript variant (23).
Genome position (GRCh38, 1-based): chr6:87,564,158, T>A on the plus strand (A>T on the coding strand, the complement: RARS2 is on the minus strand). VCF-style: chr6-87564158-T-A. GRCh37 (hg19) VCF-style: chr6-88273876-T-A.
Other names: c.-285A>T (NM_001318785.2, NM_001350509.2); c.185A>T, p.Gln62Leu (NM_001350505.2); c.-341A>T (NM_001350506.2, NM_001350507.2, NM_001350510.2 and 1 more transcripts); c.-503A>T (NM_001350508.2); short protein forms Q62L.
Identifiers: ClinVar variation 2673072 (VCV002673072.23), dbSNP rs773447656, ClinGen allele CA3916736.